The following is an entry in ClinVar:

NM_000261.2(MYOC):c.975G>A (p.Thr325=)

Gene: MYOC (myocilin; minus strand). Cytogenetic location: 1q24.3.
Variant type: single nucleotide variant.
Coding change: c.975G>A on transcript NM_000261.2 (MANE Select); coding-DNA position 975, G replaced by A.
Protein change: p.Thr325=; no amino-acid change (threonine 325 retained).
Molecular consequence: synonymous variant.
Genome position (GRCh38, 1-based): chr1:171,636,465, C>T on the plus strand (G>A on the coding strand, the complement: MYOC is on the minus strand). VCF-style: chr1-171636465-C-T. GRCh37 (hg19) VCF-style: chr1-171605605-C-T.
Other names: NM_000261.2(MYOC):c.975G>A; p.Thr325=.
Identifiers: ClinVar variation 293711 (VCV000293711.20), dbSNP rs61730976, ClinGen allele CA1244108.

ClinVar aggregate classification (germline): Benign. Review status: reviewed by expert panel (3 of 4 stars). 6 submissions from 5 submitters: Benign (1). 5 of the submissions do not count toward it. Last evaluated 2026-01-12.

Conditions:
Open-angle glaucoma. Identifiers: MedGen C0017612, MONDO:0005338, HP:0012108.
Glaucoma 1, open angle, A (GLC1A). Also called: Glaucoma, Dominant (Juvenile Onset). Identifiers: Orphanet 98977, MedGen C1842028, MONDO:0007664, OMIM 137750.
Glaucoma. Identifiers: MedGen C0017601, MONDO:0005041, HP:0000501.

Allele frequency attached by ClinVar (database versions not stated): gnomAD exomes 0.00269 and 0.00665; ExAC 0.00782; gnomAD 0.02506 and 0.02687; ESP Exome Variant Server 0.02614; TOPMed 0.02813; 1000 Genomes Project 0.02875; 1000 Genomes Project 30x 0.02904.
gnomAD v4.1: 7,906 of 1,614,036 alleles (0.49%); highest among the groups gnomAD compares: African/African-American, 8.6%; 306 homozygotes.

Submissions (6):

ClinGen Glaucoma Variant Curation Expert Panel
Classification: Benign for Open-angle glaucoma. Last evaluated: 2026-01-12. Review status: reviewed by expert panel. Criteria: ClinGen Glaucoma ACMG Specifications V2.0.0 Approved. Collection method: curation. Allele origin: germline. Inheritance: Autosomal dominant inheritance.
Comment: The c.975G>A variant in MYOC is a synonymous variant (p.Thr325=). The highest minor allele frequency of this variant was in the African/African American genetic ancestry group of gnomAD (v4.1.0) = 0.08566, which met the ≥ 0.01 threshold set for BA1 (6,424 alleles out of 74,994, meeting the threshold of ≥ 5 of at least 2,000 observed alleles). The SpliceAI score = 0, which met the ≤ 0.1 threshold for BP4, suggesting that the variant does not impact MYOC function. This synonymous variant meets BP4, so BP7 is met. The Thr325= protein had similar solubility and secretion levels compared to wild type myocilin protein in this study (PMID: 35196929). The assays met the OddsPath threshold for BS3_Moderate (< 0.23), indicating that this variant did not impact protein function. As BA1 was met, PP1 did not apply and segregations were not counted. Although probands with juvenile or primary open angle glaucoma have been reported carrying this variant, PM2_Supporting was not met, therefore PS4 did not apply. In summary, this variant was classified as benign (BA1 is a stand-alone criterion for a benign level of pathogenicity) for juvenile open angle glaucoma based on the ACMG/AMP criteria met, as specified by the ClinGen Glaucoma VCEP (v2, new_date_2024): BA1, BS3_Moderate, BP4, BP7

Labcorp Genetics (formerly Invitae), Labcorp
Classification: Benign. Last evaluated: 2026-01-26. Review status: criteria provided, single submitter. Criteria: Invitae Variant Classification Sherloc (09022015). Collection method: clinical testing. Allele origin: germline. Not counted in ClinVar's aggregate classification.

GeneDx
Classification: Benign. Last evaluated: 2018-09-24. Review status: criteria provided, single submitter. Criteria: GeneDx Variant Classification Process June 2021. Collection method: clinical testing. Allele origin: germline. Affected: yes. Not counted in ClinVar's aggregate classification.

Illumina Laboratory Services, Illumina
Classification: Benign for Glaucoma. Last evaluated: 2018-01-13. Review status: criteria provided, single submitter. Criteria: ICSL Variant Classification Criteria 13 December 2019. Collection method: clinical testing. Allele origin: germline. Not counted in ClinVar's aggregate classification.
Comment: This variant was observed in the ICSL laboratory as part of a predisposition screen in an ostensibly healthy population. It had not been previously curated by ICSL or reported in the Human Gene Mutation Database (HGMD: prior to June 1st, 2018), and was therefore a candidate for classification through an automated scoring system. Utilizing variant allele frequency, disease prevalence and penetrance estimates, and inheritance mode, an automated score was calculated to assess if this variant is too frequent to cause the disease. Based on the score and internal cut-off values, a variant classified as benign is not then subjected to further curation. The score for this variant resulted in a classification of benign for this disease.

Illumina Laboratory Services, Illumina
Classification: Benign for Glaucoma 1, open angle, A. Last evaluated: 2018-01-13. Review status: criteria provided, single submitter. Criteria: ICSL Variant Classification Criteria 13 December 2019. Collection method: clinical testing. Allele origin: germline. Not counted in ClinVar's aggregate classification.
Comment: the same text as in the submission from Illumina Laboratory Services, Illumina above.

Breakthrough Genomics
Classification: Benign. Review status: criteria provided, single submitter. Criteria: ACMG Guidelines, 2015. Collection method: not provided. Allele origin: germline. Inheritance: Autosomal dominant inheritance. Affected: yes. Not counted in ClinVar's aggregate classification.

Literature cited by the submitters: PubMed 35196929 (cited by ClinGen Glaucoma Variant Curation Expert Panel).